The following is an entry in ClinVar:

ClinVar aggregate classification (germline): Likely pathogenic (1 of 4 stars; one submission).

Conditions:
Joubert syndrome and related disorders. Identifiers: Orphanet 140874, MedGen C5679612, MONDO:0015369.

Submission:

Women's Health and Genetics/Laboratory Corporation of America, LabCorp
Classification: Likely pathogenic for Joubert syndrome and related disorders. Last evaluated: 2022-10-10. Review status: criteria provided, single submitter. Criteria: LabCorp Variant Classification Summary - May 2015. Collection method: clinical testing. Allele origin: germline.
Comment: Variant summary: CEP104 c.162T>A (p.Cys54X) results in a premature termination codon, predicted to cause a truncation of the encoded protein or absence of the protein due to nonsense mediated decay, which are commonly known mechanisms for disease. Truncations downstream of this position have been associated with Joubert Syndrome in HGMD. The variant was absent in 250000 control chromosomes. To our knowledge, no occurrence of c.162T>A in individuals affected with Joubert Syndrome And Related Disorders and no experimental evidence demonstrating its impact on protein function have been reported. No clinical diagnostic laboratories have submitted clinical-significance assessments for this variant to ClinVar after 2014. Based on the evidence outlined above, the variant was classified as likely pathogenic.

NM_014704.4(CEP104):c.162T>A (p.Cys54Ter)

Gene: CEP104 (centrosomal protein 104; minus strand). Cytogenetic location: 1p36.32.
Variant type: single nucleotide variant.
Coding change: c.162T>A on transcript NM_014704.4 (MANE Select); coding-DNA position 162, T replaced by A.
Protein change: p.Cys54Ter; replaces cysteine 54 with a stop codon.
Molecular consequence: nonsense.
Genome position (GRCh38, 1-based): chr1:3,848,733, A>T on the plus strand (T>A on the coding strand, the complement: CEP104 is on the minus strand). VCF-style: chr1-3848733-A-T. GRCh37 (hg19) VCF-style: chr1-3765297-A-T.
Other names: short protein forms C54*.
Identifiers: ClinVar variation 1723276 (VCV001723276.1), dbSNP rs2525524684, ClinGen allele CA338049238.